The following is an entry in ClinVar:

ClinVar aggregate classification (germline): Likely benign (1 of 4 stars; one submission).

Allele frequency attached by ClinVar (database versions not stated): gnomAD exomes below 0.00001.
gnomAD v4.1: 6 of 1,211,281 alleles (0.0005%); highest among the groups gnomAD compares: Non-Finnish European, 0.00056%; no homozygotes.

Submission:

CeGaT Center for Human Genetics Tuebingen
Classification: Likely benign. Last evaluated: 2022-03-01. Review status: criteria provided, single submitter. Criteria: CeGaT Center For Human Genetics Tuebingen Variant Classification Criteria Version 2. Collection method: clinical testing. Allele origin: germline. Affected: yes. Observed: 3 variant alleles.
Comment: DDX3X: BS2

NM_001356.5(DDX3X):c.1720A>G (p.Met574Val)

Gene: DDX3X (DEAD-box helicase 3 X-linked; plus strand). Cytogenetic location: Xp11.4.
Variant type: single nucleotide variant.
Coding change: c.1720A>G on transcript NM_001356.5 (MANE Select); coding-DNA position 1720, A replaced by G.
Protein change: p.Met574Val; replaces methionine 574 with valine.
Molecular consequence: missense variant. On other transcripts: non-coding transcript variant (1).
Genome position (GRCh38, 1-based): chrX:41,346,963, A>G. VCF-style: chrX-41346963-A-G. GRCh37 (hg19) VCF-style: chrX-41206216-A-G.
Other names: c.1720A>G, p.Met574Val (NM_001193416.3); c.1672A>G, p.Met558Val (NM_001193417.3); c.1162A>G, p.Met388Val (NM_001363819.1); short protein forms M388V, M574V, M558V.
Identifiers: ClinVar variation 872825 (VCV000872825.41), dbSNP rs2063933502, ClinGen allele CA412777888.